The following is an entry in ClinVar:

NM_005629.4(SLC6A8):c.1494C>G (p.Tyr498Ter)

Gene: SLC6A8 (solute carrier family 6 member 8; plus strand). Cytogenetic location: Xq28.
Variant type: single nucleotide variant.
Coding change: c.1494C>G on transcript NM_005629.4 (MANE Select); coding-DNA position 1494, C replaced by G.
Protein change: p.Tyr498Ter; replaces tyrosine 498 with a stop codon.
Molecular consequence: nonsense.
Genome position (GRCh38, 1-based): chrX:153,694,445, C>G. VCF-style: chrX-153694445-C-G. GRCh37 (hg19) VCF-style: chrX-152959900-C-G.
Other names: c.1464C>G, p.Tyr488Ter (NM_001142805.2); c.1149C>G, p.Tyr383Ter (NM_001142806.1); short protein forms Y383*, Y488*, Y498*.
Identifiers: ClinVar variation 827674 (VCV000827674.3), dbSNP rs143916832, ClinGen allele CA415087934.
Genomic context (GRCh38, chrX:153,694,445, plus strand): 5'-CAGCGGCACCACCCTGCTCTGGCAGGCCTTTTGGGAGTGCGTGGTGGTGGCCTGGGTGTA[C>G]GGTAGGTCATGGCTGAGGGCTGGGCTGGGGGATGGTGGCGGGGAAGGCAGGTCTCCAGCT-3'

ClinVar aggregate classification (germline): Pathogenic (1 of 4 stars; one submission).

Conditions:
Creatine transporter deficiency (CCDS1). Also called: Creatine Transporter (CRTR) Deficiency; Mental retardation , X-linked with seizures, short stature and midface hypoplasia; Mental retardation , X-linked, with creatine transport deficiency; X-linked creatine transporter deficiency; X-linked creatine deficiency syndrome; SLC6A8-Related Creatine Transporter Deficiency. Identifiers: Orphanet 52503, MedGen C1845862, MONDO:0010305, OMIM 300352.

Submission:

St George's Genomics Service, St George's University Hospitals NHS FT
Classification: Pathogenic for Creatine transporter deficiency. Last evaluated: 2018-08-20. Review status: criteria provided, single submitter. Criteria: ACMG Guidelines, 2015. Collection method: clinical testing. Allele origin: de novo. Inheritance: Sporadic. Affected: yes. Observed: 1 hemizygote.
Comment: This variant was identified via whole exome and subsequently whole genome analysis of a family trio. In this family the variant has been shown to occur de novo and was not reported in any reviewed variant databases at the time of identification; however other pathogenic nonsense variants 3' to this variant have been reported. The consequence is predicted to be a truncated protein (stop gain) with loss of the 3' portion of the Sodium:neurotransmitter symporter, creatine (IPR002984) domain. Complete loss of a protein product or residual functionality of a truncated protein product has not been confirmed by further investigations. Variants in this X-linked gene have previously been associated with cerebral creatine deficiency syndrome (type 1) and matched phenotypically.